The following is an entry in ClinVar:

NM_181675.4(PPP2R2B):c.1148A>G (p.Lys383Arg)

Genes: PPP2R2B (protein phosphatase 2 regulatory subunit Bbeta; minus strand), PPP2R2B-AS2 (PPP2R2B antisense RNA 2; plus strand). Cytogenetic location: 5q32.
Variant type: single nucleotide variant.
Coding change: c.1148A>G on transcript NM_181675.4 (MANE Select); coding-DNA position 1148, A replaced by G.
Protein change: p.Lys383Arg; replaces lysine 383 with arginine.
Molecular consequence: missense variant.
Genome position (GRCh38, 1-based): chr5:146,590,131, T>C on the plus strand (A>G on the coding strand, the complement: PPP2R2B is on the minus strand). VCF-style: chr5-146590131-T-C. GRCh37 (hg19) VCF-style: chr5-145969694-T-C.
Other names: c.1157A>G, p.Lys386Arg (NM_181676.3); c.1088A>G, p.Lys363Arg (NM_181677.2); c.1115A>G, p.Lys372Arg (NM_181678.2, NM_001271948.2); c.1166A>G, p.Lys389Arg (NM_001271899.1); c.1322A>G, p.Lys441Arg (NM_001271900.2); c.1148A>G, p.Lys383Arg (NM_001428277.1, NM_001428279.1); c.1346A>G, p.Lys449Arg (NM_181674.3); short protein forms K363R, K372R, K383R, K386R, K389R, K441R, K449R.
Identifiers: ClinVar variation 5037077 (VCV005037077.1).

ClinVar aggregate classification (germline): Uncertain significance (1 of 4 stars; one submission).

Submission:

GeneDx
Classification: Uncertain significance. Last evaluated: 2026-04-21. Review status: criteria provided, single submitter. Criteria: GeneDx Variant Classification Process June 2021. Collection method: clinical testing. Allele origin: germline.
Comment: Not observed at significant frequency in large population cohorts (gnomAD); In silico analysis suggests that this missense variant does not alter protein structure/function; Has not been previously published as pathogenic or benign to our knowledge